The following is an entry in ClinVar:

ClinVar aggregate classification (germline): Uncertain significance. Review status: criteria provided, multiple submitters, no conflicts (2 of 4 stars). 2 submissions from 2 submitters: Uncertain significance (2). Last evaluated 2023-06-13.

Conditions:
Neurofibromatosis, type 1 (NF1). Also called: Peripheral type neurofibromatosis; Neurofibromatosis, type I; VON RECKLINGHAUSEN DISEASE; NEUROFIBROMATOSIS, TYPE I, SOMATIC. Identifiers: Orphanet 636, MedGen C0027831, MONDO:0018975, OMIM 162200. Disease mechanism: loss of function.
Hereditary cancer-predisposing syndrome. Also called: Neoplastic Syndromes, Hereditary; Hereditary neoplastic syndrome; Hereditary Cancer Syndrome; Tumor predisposition. Identifiers: Orphanet 140162, MedGen C0027672, MeSH D009386, MONDO:0015356.
Cardiovascular phenotype. Identifiers: MedGen CN230736.

Submissions (2):

Ambry Genetics
Classification: Uncertain significance for Cardiovascular phenotype; Hereditary cancer-predisposing syndrome. Last evaluated: 2023-06-13. Review status: criteria provided, single submitter. Criteria: Ambry Variant Classification Scheme 2023. Collection method: clinical testing. Allele origin: germline.
Comment: The c.1263C>A variant (also known as p.S421S), located in coding exon 12 of the NF1 gene, results from a C to A substitution at nucleotide position 1263. This nucleotide substitution does not change the at codon 421. This nucleotide position is not well conserved in available vertebrate species. In silico splice site analysis predicts that this alteration will result in the creation or strengthening of a novel splice acceptor site; however, direct evidence is insufficient at this time (Ambry internal data). Since supporting evidence is limited at this time, the clinical significance of this alteration remains unclear.

Labcorp Genetics (formerly Invitae), Labcorp
Classification: Uncertain significance for Neurofibromatosis, type 1. Last evaluated: 2021-08-31. Review status: criteria provided, single submitter. Criteria: Invitae Variant Classification Sherloc (09022015). Collection method: clinical testing. Allele origin: germline.
Comment: This sequence change affects codon 421 of the NF1 mRNA. It is a 'silent' change, meaning that it does not change the encoded amino acid sequence of the NF1 protein. This variant is not present in population databases (ExAC no frequency). This variant has not been reported in the literature in individuals affected with NF1-related conditions. Algorithms developed to predict the effect of sequence changes on RNA splicing suggest that this variant may create or strengthen a splice site. In summary, the available evidence is currently insufficient to determine the role of this variant in disease. Therefore, it has been classified as a Variant of Uncertain Significance.

NM_001042492.3(NF1):c.1263C>A (p.Ser421=)

Gene: NF1 (neurofibromin 1; plus strand). Cytogenetic location: 17q11.2.
Variant type: single nucleotide variant.
Coding change: c.1263C>A on transcript NM_001042492.3 (MANE Select); coding-DNA position 1263, C replaced by A.
Protein change: p.Ser421=; no amino-acid change (serine 421 retained).
Molecular consequence: synonymous variant.
Genome position (GRCh38, 1-based): chr17:31,206,242, C>A. VCF-style: chr17-31206242-C-A. GRCh37 (hg19) VCF-style: chr17-29533260-C-A.
Other names: c.1263C>A, p.Ser421= (NM_000267.4, NM_001128147.3).
Identifiers: ClinVar variation 944051 (VCV000944051.4), dbSNP rs767410768, ClinGen allele CA499222166.